The following is an entry in ClinVar:

ClinVar aggregate classification (germline): Uncertain significance (1 of 4 stars; one submission).

Allele frequency attached by ClinVar (database versions not stated): gnomAD 0.00001.
gnomAD v4.1: 1 of 1,612,720 alleles (0.000062%); highest among the groups gnomAD compares: African/African-American, 0.0013%; no homozygotes.

Submission:

GeneDx
Classification: Uncertain significance. Last evaluated: 2023-05-19. Review status: criteria provided, single submitter. Criteria: GeneDx Variant Classification Process June 2021. Collection method: clinical testing. Allele origin: germline. Affected: yes.
Comment: Not observed at significant frequency in large population cohorts (gnomAD); In silico analysis supports that this missense variant has a deleterious effect on protein structure/function; Has not been previously published as pathogenic or benign to our knowledge; This variant is associated with the following publications: (PMID: 18466115)

NM_000548.5(TSC2):c.4729G>T (p.Gly1577Cys)

Gene: TSC2 (TSC complex subunit 2; plus strand). Cytogenetic location: 16p13.3.
Variant type: single nucleotide variant.
Coding change: c.4729G>T on transcript NM_000548.5 (MANE Select); coding-DNA position 4729, G replaced by T.
Protein change: p.Gly1577Cys; replaces glycine 1577 with cysteine.
Molecular consequence: missense variant. On other transcripts: non-coding transcript variant (5).
Genome position (GRCh38, 1-based): chr16:2,086,259, G>T. VCF-style: chr16-2086259-G-T. GRCh37 (hg19) VCF-style: chr16-2136260-G-T.
Other names: c.4528G>T, p.Gly1510Cys (NM_001077183.3); c.4660G>T, p.Gly1554Cys (NM_001114382.3); c.4420G>T, p.Gly1474Cys (NM_001318827.2); c.4384G>T, p.Gly1462Cys (NM_001318829.2); c.3997G>T, p.Gly1333Cys (NM_001318831.2); c.4561G>T, p.Gly1521Cys (NM_001318832.2); c.4531G>T, p.Gly1511Cys (NM_001363528.2); c.4597G>T, p.Gly1533Cys (NM_001370404.1); and 26 more; short protein forms G1062C, G1063C, G1085C, G1086C, G1106C, G1310C, G1311C, G1333C.
Identifiers: ClinVar variation 2502721 (VCV002502721.1), dbSNP rs796053499, ClinGen allele CA394307560.